The following is an entry in ClinVar:

NM_014795.4(ZEB2):c.1825G>A (p.Glu609Lys)

Gene: ZEB2 (zinc finger E-box binding homeobox 2; minus strand). Cytogenetic location: 2q22.3.
Variant type: single nucleotide variant.
Coding change: c.1825G>A on transcript NM_014795.4 (MANE Select); coding-DNA position 1825, G replaced by A.
Protein change: p.Glu609Lys; replaces glutamic acid 609 with lysine.
Molecular consequence: missense variant.
Genome position (GRCh38, 1-based): chr2:144,399,362, C>T on the plus strand (G>A on the coding strand, the complement: ZEB2 is on the minus strand). VCF-style: chr2-144399362-C-T. GRCh37 (hg19) VCF-style: chr2-145156929-C-T.
Other names: c.1753G>A, p.Glu585Lys (NM_001171653.2); short protein forms E585K, E609K.
Identifiers: ClinVar variation 4743696 (VCV004743696.1).

ClinVar aggregate classification (germline): Uncertain significance (1 of 4 stars; one submission).

Conditions:
Mowat-Wilson syndrome (MOWS). Also called: Classic Mowat-Wilson Syndrome. Identifiers: Orphanet 2152, MedGen C1856113, MONDO:0009341, OMIM 235730.

Submission:

Labcorp Genetics (formerly Invitae), Labcorp
Classification: Uncertain significance for Mowat-Wilson syndrome. Last evaluated: 2025-05-07. Review status: criteria provided, single submitter. Criteria: Invitae Variant Classification Sherloc (09022015). Collection method: clinical testing. Allele origin: germline.
Comment: This sequence change replaces glutamic acid, which is acidic and polar, with lysine, which is basic and polar, at codon 609 of the ZEB2 protein (p.Glu609Lys). This variant is not present in population databases (gnomAD no frequency). This variant has not been reported in the literature in individuals affected with ZEB2-related conditions. Invitae Evidence Modeling of protein sequence and biophysical properties (such as structural, functional, and spatial information, amino acid conservation, physicochemical variation, residue mobility, and thermodynamic stability) indicates that this missense variant is not expected to disrupt ZEB2 protein function with a negative predictive value of 80%. In summary, the available evidence is currently insufficient to determine the role of this variant in disease. Therefore, it has been classified as a Variant of Uncertain Significance.